The following is an entry in ClinVar:

NC_000015.10:g.(?_22786657)_(28299516_?)dup

Genes: ATP10A (ATPase phospholipid transporting 10A (putative); minus strand), ATP10A-DT (ATP10A divergent transcript; plus strand), CYFIP1 (cytoplasmic FMR1 interacting protein 1; minus strand), GABRA5 (gamma-aminobutyric acid type A receptor subunit alpha5; plus strand), GABRB3 (gamma-aminobutyric acid type A receptor subunit beta3; minus strand) and 159 more. Cytogenetic location: 15q11.2-13.1.
Variant type: Duplication.
Identifiers: ClinVar variation 3250355 (VCV003250355.2).

ClinVar aggregate classification (germline): Likely pathogenic (1 of 4 stars; one submission).

Conditions:
15q11q13 microduplication syndrome. Also called: Chromosome 15q11-q13 duplication syndrome; DUPLICATION 15q11-q13 SYNDROME; 15q11.2-q13.1 Duplication Syndrome; Maternal 15q Duplication Syndrome. Identifiers: Orphanet 238446, MedGen C2675336, MONDO:0012081, OMIM 608636.

Submission:

Foundation for Research in Genetics and Endocrinology, FRIGE's Institute of Human Genetics
Classification: Likely pathogenic for 15q11q13 microduplication syndrome. Last evaluated: 2024-06-22. Review status: criteria provided, single submitter. Criteria: ACMG Guidelines, 2015. Collection method: clinical testing. Allele origin: germline. Affected: yes. Observed: 1 heterozygote.
Comment: A contiguous homozygous duplication of size ~5512.86 kb on chromosome 15, [chr15:g.(?_22786657)_(28299516_?)dup] encompassing multiple genes suggestive of a copy number variant was detected. The read depth of these targeted regions is found to be higher than usual [CNV ratio: 1.83; BF value: 1490.00]. The results are likely to be suggestive of a homozygous duplication (copy number gain). Contiguous duplication overlapping these genes have previously been reported in the literature [PMID: 26022164]. In summary, the variant meets our criteria to be classified as likely pathogenic.